The following is an entry in ClinVar:

NM_032119.4(ADGRV1):c.5784C>G (p.Ser1928Arg)

Gene: ADGRV1 (adhesion G protein-coupled receptor V1; plus strand). Cytogenetic location: 5q14.3.
Variant type: single nucleotide variant.
Coding change: c.5784C>G on transcript NM_032119.4 (MANE Select); coding-DNA position 5784, C replaced by G.
Protein change: p.Ser1928Arg; replaces serine 1928 with arginine.
Molecular consequence: missense variant. On other transcripts: non-coding transcript variant (1).
Genome position (GRCh38, 1-based): chr5:90,683,705, C>G. VCF-style: chr5-90683705-C-G. GRCh37 (hg19) VCF-style: chr5-89979522-C-G.
Other names: short protein forms S1928R.
Identifiers: ClinVar variation 853336 (VCV000853336.18), dbSNP rs199605700, ClinGen allele CA3339660.

ClinVar aggregate classification (germline): Conflicting classifications of pathogenicity. Review status: criteria provided, conflicting classifications (1 of 4 stars). 7 submissions from 7 submitters: Uncertain significance (4); Likely benign (3). Last evaluated 2026-08-19.

Conditions:
ADGRV1-related disorder. Also called: ADGRV1-related condition; ADGRV1-related disorders.
Inborn genetic diseases. Identifiers: MedGen C0950123, MeSH D030342.

Allele frequency attached by ClinVar (database versions not stated): TOPMed 0.00006.
gnomAD v4.1: 50 of 1,613,744 alleles (0.0031%); highest among the groups gnomAD compares: Admixed American, 0.072%; no homozygotes.

Submissions (7):

PreventionGenetics, part of Exact Sciences
Classification: Uncertain significance for ADGRV1-related condition. Last evaluated: 2026-08-19. Review status: criteria provided, single submitter. Criteria: ACMG Guidelines, 2015. Collection method: clinical testing. Allele origin: germline.
Comment: The ADGRV1 c.5784C>G variant is predicted to result in the amino acid substitution p.Ser1928Arg. To our knowledge, this variant has not been reported in the literature. This variant is reported in 0.096% of alleles in individuals of Latino descent in gnomAD, which may be too frequent to be a primary cause of disease. Although we suspect that this variant may be benign, at this time, the clinical significance of this variant is uncertain due to the absence of conclusive functional and genetic evidence.

Ambry Genetics
Classification: Uncertain significance for Inborn genetic diseases. Last evaluated: 2026-03-19. Review status: criteria provided, single submitter. Criteria: Ambry Variant Classification Scheme 2023. Collection method: clinical testing. Allele origin: germline.

Women's Health and Genetics/Laboratory Corporation of America, LabCorp
Classification: Likely benign. Last evaluated: 2026-02-25. Review status: criteria provided, single submitter. Criteria: LabCorp Variant Classification Summary - May 2015. Collection method: clinical testing. Allele origin: germline.
Comment: Variant summary: ADGRV1 c.5784C>G (p.Ser1928Arg) results in a non-conservative amino acid change in the encoded protein sequence. Algorithms developed to predict the effect of missense changes on protein structure and function are either unavailable or do not agree on the potential impact of this missense change. The variant allele was found at a frequency of 0.00012 in 280242 control chromosomes, predominantly at a frequency of 0.001 within the Latino subpopulation in the gnomAD database. The observed variant frequency within Latino control individuals in the gnomAD database exceeds the estimated maximal expected allele frequency for disease-causing variants in ADGRV1. To our knowledge, no occurrence of c.5784C>G in individuals affected with ADGRV1-related conditions and no experimental evidence demonstrating its impact on protein function have been reported. ClinVar contains an entry for this variant (Variation ID: 853336). Based on the evidence outlined above, the variant was classified as likely benign.

Labcorp Genetics (formerly Invitae), Labcorp
Classification: Likely benign. Last evaluated: 2026-01-19. Review status: criteria provided, single submitter. Criteria: Invitae Variant Classification Sherloc (09022015). Collection method: clinical testing. Allele origin: germline.

Blueprint Genetics
Classification: Uncertain significance. Last evaluated: 2022-04-01. Review status: criteria provided, single submitter. Criteria: ACMG Guidelines, 2015. Collection method: clinical testing. Allele origin: germline.

GeneDx
Classification: Likely benign. Last evaluated: 2021-04-14. Review status: criteria provided, single submitter. Criteria: GeneDx Variant Classification Process June 2021. Collection method: clinical testing. Allele origin: germline. Affected: yes.

Revvity Omics, Revvity
Classification: Uncertain significance. Last evaluated: 2020-03-10. Review status: criteria provided, single submitter. Criteria: ACMG Guidelines, 2015. Collection method: clinical testing. Allele origin: germline.